The following is an entry in ClinVar:

NM_001113378.2(FANCI):c.2849G>T (p.Ser950Ile)

Gene: FANCI (FA complementation group I; plus strand). Cytogenetic location: 15q26.1.
Variant type: single nucleotide variant.
Coding change: c.2849G>T on transcript NM_001113378.2 (MANE Select); coding-DNA position 2849, G replaced by T.
Protein change: p.Ser950Ile; replaces serine 950 with isoleucine.
Molecular consequence: missense variant.
Genome position (GRCh38, 1-based): chr15:89,300,345, G>T. VCF-style: chr15-89300345-G-T. GRCh37 (hg19) VCF-style: chr15-89843576-G-T.
Other names: c.2570G>T, p.Ser857Ile (NM_001376910.1); c.2849G>T, p.Ser950Ile (NM_001376911.1); c.2669G>T, p.Ser890Ile (NM_018193.3); short protein forms S950I, S890I, S857I.
Identifiers: ClinVar variation 526401 (VCV000526401.7), dbSNP rs760327010, ClinGen allele CA7723486.
Genomic context (GRCh38, chr15:89,300,345, plus strand): 5'-CTTTTCCATTCCTAGATGTCACAGATAAGGAAGGAGAAGAGAGAGAAGATGCAGATGTCA[G>T]TGTCACTCAGAGAACAGCATTCCAGATCCGGCAATTTCAGGTGAGAAGCCTTGCAAAGCT-3'
Protein context (NP_001106849.1, residues 940-960): EGEEREDADV[Ser950Ile]VTQRTAFQIR

ClinVar aggregate classification (germline): Uncertain significance. Review status: criteria provided, multiple submitters, no conflicts (2 of 4 stars). 2 submissions from 2 submitters: Uncertain significance (2). Last evaluated 2024-07-29.

Conditions:
Fanconi anemia (FA). Also called: Fanconi's anemia. Identifiers: Orphanet 84, MedGen C0015625, MeSH D005199, MONDO:0019391.
Fanconi anemia complementation group I (FANCI). Also called: FANCI-Related Fanconi Anemia. Identifiers: Orphanet 84, MedGen C1836861, MONDO:0012186, OMIM 609053.

Allele frequency attached by ClinVar (database versions not stated): TOPMed 0.00002; 1000 Genomes Project 30x 0.00031.
gnomAD v4.1: 50 of 1,614,062 alleles (0.0031%); highest among the groups gnomAD compares: Middle Eastern, 0.017%; no homozygotes.

Submissions (2):

Labcorp Genetics (formerly Invitae), Labcorp
Classification: Uncertain significance for Fanconi anemia. Last evaluated: 2024-07-29. Review status: criteria provided, single submitter. Criteria: Invitae Variant Classification Sherloc (09022015). Collection method: clinical testing. Allele origin: germline.
Comment: This sequence change replaces serine, which is neutral and polar, with isoleucine, which is neutral and non-polar, at codon 950 of the FANCI protein (p.Ser950Ile). This variant is present in population databases (rs760327010, gnomAD 0.01%). This variant has not been reported in the literature in individuals affected with FANCI-related conditions. ClinVar contains an entry for this variant (Variation ID: 526401). An algorithm developed to predict the effect of missense changes on protein structure and function (PolyPhen-2) suggests that this variant¬†is likely to be tolerated. In summary, the available evidence is currently insufficient to determine the role of this variant in disease. Therefore, it has been classified as a Variant of Uncertain Significance.

Fulgent Genetics
Classification: Uncertain significance for Fanconi anemia complementation group I. Last evaluated: 2024-02-21. Review status: criteria provided, single submitter. Criteria: ACMG Guidelines, 2015. Collection method: clinical testing. Allele origin: germline.